The following is an entry in ClinVar:

ClinVar aggregate classification (germline): Uncertain significance (1 of 4 stars; one submission).

Conditions:
Long QT syndrome (LQTS). Identifiers: MedGen C0023976, MeSH D008133, MONDO:0002442. Disease mechanism: loss of function. Inheritance: Various modes of inheritance.

gnomAD v4.1: 1 of 1,612,002 alleles (0.000062%); highest among the groups gnomAD compares: Non-Finnish European, 0.000085%; no homozygotes.

Submission:

Labcorp Genetics (formerly Invitae), Labcorp
Classification: Uncertain significance for Long QT syndrome. Last evaluated: 2024-12-30. Review status: criteria provided, single submitter. Criteria: Invitae Variant Classification Sherloc (09022015). Collection method: clinical testing. Allele origin: germline.
Comment: This sequence change affects codon 945 of the CACNA1C mRNA. It is a 'silent' change, meaning that it does not change the encoded amino acid sequence of the CACNA1C protein. This variant is present in population databases (no rsID available, gnomAD 0.0009%). This variant has not been reported in the literature in individuals affected with CACNA1C-related conditions. Algorithms developed to predict the effect of sequence changes on RNA splicing suggest that this variant may disrupt the consensus splice site. In summary, the available evidence is currently insufficient to determine the role of this variant in disease. Therefore, it has been classified as a Variant of Uncertain Significance.

NM_000719.7(CACNA1C):c.2835C>T (p.Thr945=)

Gene: CACNA1C (calcium voltage-gated channel subunit alpha1 C; plus strand). Cytogenetic location: 12p13.33.
Variant type: single nucleotide variant.
Coding change: c.2835C>T on transcript NM_000719.7 (MANE Select); coding-DNA position 2835, C replaced by T.
Protein change: p.Thr945=; no amino-acid change (threonine 945 retained).
Molecular consequence: synonymous variant. On other transcripts: intron variant (8).
Genome position (GRCh38, 1-based): chr12:2,597,271, C>T. VCF-style: chr12-2597271-C-T. GRCh37 (hg19) VCF-style: chr12-2706437-C-T.
Other names: c.2835C>T, p.Thr945= (NM_001129827.2, NM_001129829.2, NM_001129831.2 and 10 more transcripts); c.2826C>T, p.Thr942= (NM_001129844.2); c.2794-166C>T (NM_001129840.2, NM_001129836.2, NM_001129841.2 and 5 more transcripts).
Identifiers: ClinVar variation 3728275 (VCV003728275.2).
Genomic context (GRCh38, chr12:2,597,271, plus strand): 5'-GTTCCTTTTTGTTTTGCAGATTCTGTTTTATTTTGATATTGTTTTTACCACCATTTTCAC[C>T]ATTGAAATTGCTCTGAAGGTAAAGCCCCCATCCCCTTCTGCTCCTCCTGTCCCCCTTGTG-3'
Protein context (NP_000710.5, residues 935-955): YFDIVFTTIF[Thr945=]IEIALKMTAY